The following is an entry in ClinVar:

ClinVar aggregate classification (germline): Uncertain significance (1 of 4 stars; one submission).

Submission:

GeneDx
Classification: Uncertain significance. Last evaluated: 2025-01-12. Review status: criteria provided, single submitter. Criteria: GeneDx Variant Classification Process June 2021. Collection method: clinical testing. Allele origin: germline. Affected: yes.
Comment: Not observed at significant frequency in large population cohorts (gnomAD); In silico analysis indicates that this missense variant does not alter protein structure/function; Has not been previously published as pathogenic or benign to our knowledge

NM_001079872.2(CUL4B):c.643A>G (p.Ile215Val)

Gene: CUL4B (cullin 4B; minus strand). Cytogenetic location: Xq24.
Variant type: single nucleotide variant.
Coding change: c.643A>G on transcript NM_001079872.2 (MANE Select); coding-DNA position 643, A replaced by G.
Protein change: p.Ile215Val; replaces isoleucine 215 with valine.
Molecular consequence: missense variant.
Genome position (GRCh38, 1-based): chrX:120,557,953, T>C on the plus strand (A>G on the coding strand, the complement: CUL4B is on the minus strand). VCF-style: chrX-120557953-T-C. GRCh37 (hg19) VCF-style: chrX-119691808-T-C.
Other names: c.658A>G, p.Ile220Val (NM_001330624.2); c.109A>G, p.Ile37Val (NM_001369145.1); c.697A>G, p.Ile233Val (NM_003588.4); short protein forms I215V, I220V, I233V, I37V.
Identifiers: ClinVar variation 4057064 (VCV004057064.1).
Genomic context (GRCh38, chrX:120,557,953, plus strand): 5'-ATCAAATCTGGTTATGCATATTAATACATACCTGGTAGAGTTCTTCTAAATTGTACTTAA[T>C]TGAAGTACTATTCTGAATAGCTTCCACTGCTTCTTTCAGTTTTTGCCAGGTTTCATCTGT-3'
Protein context (NP_001073341.1, residues 205-225): AVEAIQNSTS[Ile215Val]KYNLEELYQA